The following is an entry in ClinVar:

ClinVar aggregate classification (germline): Uncertain significance. Review status: criteria provided, multiple submitters, no conflicts (2 of 4 stars). 3 submissions from 3 submitters: Uncertain significance (3). Last evaluated 2026-05-18.

Conditions:
FGFR3-related disorder. Also called: FGFR3-related disorders.
Inborn genetic diseases. Identifiers: MedGen C0950123, MeSH D030342.

Allele frequency attached by ClinVar (database versions not stated): gnomAD exomes below 0.00001.
gnomAD v4.1: 2 of 1,611,564 alleles (0.00012%); highest among the groups gnomAD compares: Middle Eastern, 0.018%; no homozygotes.

Submissions (3):

PreventionGenetics, part of Exact Sciences
Classification: Uncertain significance for FGFR3-related condition. Last evaluated: 2026-05-18. Review status: criteria provided, single submitter. Criteria: ACMG Guidelines, 2015. Collection method: clinical testing. Allele origin: germline.
Comment: The FGFR3 c.2164G>A variant is predicted to result in the amino acid substitution p.Asp722Asn. To our knowledge, this variant has not been reported in the literature or in a large population database (gnomAD), indicating this variant is rare. At this time, the clinical significance of this variant is uncertain due to the absence of conclusive functional and genetic evidence.

Labcorp Genetics (formerly Invitae), Labcorp
Classification: Uncertain significance. Last evaluated: 2025-11-04. Review status: criteria provided, single submitter. Criteria: Invitae Variant Classification Sherloc (09022015). Collection method: clinical testing. Allele origin: germline.
Comment: This sequence change replaces aspartic acid, which is acidic and polar, with asparagine, which is neutral and polar, at codon 722 of the FGFR3 protein (p.Asp722Asn). This variant is not present in population databases (gnomAD no frequency). This variant has not been reported in the literature in individuals affected with FGFR3-related conditions. ClinVar contains an entry for this variant (Variation ID: 1680126). Invitae Evidence Modeling of protein sequence and biophysical properties (such as structural, functional, and spatial information, amino acid conservation, physicochemical variation, residue mobility, and thermodynamic stability) indicates that this missense variant is not expected to disrupt FGFR3 protein function with a negative predictive value of 95%. In summary, the available evidence is currently insufficient to determine the role of this variant in disease. Therefore, it has been classified as a Variant of Uncertain Significance.

Ambry Genetics
Classification: Uncertain significance for Inborn genetic diseases. Last evaluated: 2022-09-14. Review status: criteria provided, single submitter. Criteria: Ambry Variant Classification Scheme 2023. Collection method: clinical testing. Allele origin: germline.

NM_000142.5(FGFR3):c.2164G>A (p.Asp722Asn)

Gene: FGFR3 (fibroblast growth factor receptor 3; plus strand). Cytogenetic location: 4p16.3.
Variant type: single nucleotide variant.
Coding change: c.2164G>A on transcript NM_000142.5 (MANE Select); coding-DNA position 2164, G replaced by A.
Protein change: p.Asp722Asn; replaces aspartic acid 722 with asparagine.
Molecular consequence: missense variant. On other transcripts: non-coding transcript variant (1).
Genome position (GRCh38, 1-based): chr4:1,806,679, G>A. VCF-style: chr4-1806679-G-A. GRCh37 (hg19) VCF-style: chr4-1808406-G-A.
Other names: c.2170G>A, p.Asp724Asn (NM_001163213.2); c.2167G>A, p.Asp723Asn (NM_001354809.2); c.2096G>A, p.Arg699Gln (NM_001354810.2); c.1828G>A, p.Asp610Asn (NM_022965.4); c.2164G>A (NM_000142.4); short protein forms D610N, D722N, D723N, D724N, R699Q.
Identifiers: ClinVar variation 1680126 (VCV001680126.8), dbSNP rs1721962901, ClinGen allele CA355984449.